The following is an entry in ClinVar:

NM_005045.4(RELN):c.10179C>G (p.Pro3393=)

Genes: RELN (reelin; minus strand), SLC26A5-AS1 (SLC26A5 antisense RNA 1; plus strand). Cytogenetic location: 7q22.1.
Variant type: single nucleotide variant.
Coding change: c.10179C>G on transcript NM_005045.4 (MANE Select); coding-DNA position 10179, C replaced by G.
Protein change: p.Pro3393=; no amino-acid change (proline 3393 retained).
Molecular consequence: synonymous variant.
Genome position (GRCh38, 1-based): chr7:103,483,655, G>C on the plus strand (C>G on the coding strand, the complement: RELN is on the minus strand). VCF-style: chr7-103483655-G-C. GRCh37 (hg19) VCF-style: chr7-103124102-G-C.
Other names: c.10179C>G, p.Pro3393= (NM_173054.3).
Identifiers: ClinVar variation 3388162 (VCV003388162.14).

ClinVar aggregate classification (germline): Likely benign (1 of 4 stars; one submission).

gnomAD v4.1: 3 of 1,613,992 alleles (0.00019%); highest among the groups gnomAD compares: African/African-American, 0.0027%; no homozygotes.

Submission:

CeGaT Center for Human Genetics Tuebingen
Classification: Likely benign. Last evaluated: 2024-11-01. Review status: criteria provided, single submitter. Criteria: CeGaT Center For Human Genetics Tuebingen Variant Classification Criteria Version 2. Collection method: clinical testing. Allele origin: germline. Affected: yes. Observed: 1 variant allele.
Comment: RELN: BP4, BP7